The following is an entry in ClinVar:

ClinVar aggregate classification (germline): Uncertain significance. Review status: criteria provided, multiple submitters, no conflicts (2 of 4 stars). 2 submissions from 2 submitters: Uncertain significance (2). Last evaluated 2024-11-06.

Allele frequency attached by ClinVar (database versions not stated): gnomAD exomes 0.00012 and 0.00019; ExAC 0.00018; ESP Exome Variant Server 0.00025; 1000 Genomes Project 30x 0.00031; 1000 Genomes Project 0.00040; gnomAD 0.00042 and 0.00044; TOPMed 0.00055.
gnomAD v4.1: 259 of 1,611,692 alleles (0.016%); highest among the groups gnomAD compares: African/African-American, 0.11%; 1 homozygote.

Submissions (2):

Blueprint Genetics
Classification: Uncertain significance. Last evaluated: 2024-11-06. Review status: criteria provided, single submitter. Criteria: ACMG Guidelines, 2015. Collection method: clinical testing. Allele origin: germline.

GeneDx
Classification: Uncertain significance. Last evaluated: 2023-05-02. Review status: criteria provided, single submitter. Criteria: GeneDx Variant Classification Process June 2021. Collection method: clinical testing. Allele origin: germline. Affected: yes.
Comment: Has not been previously published as pathogenic or benign to our knowledge; In silico analysis supports that this missense variant has a deleterious effect on protein structure/function

NM_001384125.1(BLTP1):c.911C>T (p.Pro304Leu)

Gene: BLTP1 (bridge-like lipid transfer protein family member 1; plus strand). Cytogenetic location: 4q27.
Variant type: single nucleotide variant.
Coding change: c.911C>T on transcript NM_001384125.1 (MANE Select); coding-DNA position 911, C replaced by T.
Protein change: p.Pro304Leu; replaces proline 304 with leucine.
Molecular consequence: missense variant.
Genome position (GRCh38, 1-based): chr4:122,192,238, C>T. VCF-style: chr4-122192238-C-T. GRCh37 (hg19) VCF-style: chr4-123113393-C-T.
Other names: c.911C>T, p.Pro304Leu (NM_015312.4); short protein forms P304L.
Identifiers: ClinVar variation 1326098 (VCV001326098.4), dbSNP rs199861012, ClinGen allele CA3065492.